The following is an entry in ClinVar:

ClinVar aggregate classification (germline): Uncertain significance (1 of 4 stars; one submission).

Conditions:
Developmental and epileptic encephalopathy, 37 (DEE37). Also called: Epileptic encephalopathy, early infantile, 37. Identifiers: MedGen C4310770, MONDO:0014859, OMIM 616981.

Submission:

Labcorp Genetics (formerly Invitae), Labcorp
Classification: Uncertain significance for Developmental and epileptic encephalopathy, 37. Last evaluated: 2022-08-09. Review status: criteria provided, single submitter. Criteria: Invitae Variant Classification Sherloc (09022015). Collection method: clinical testing. Allele origin: germline.
Comment: This sequence change affects codon 287 of the FRRS1L mRNA. It is a 'silent' change, meaning that it does not change the encoded amino acid sequence of the FRRS1L protein. It affects a nucleotide within the consensus splice site. Algorithms developed to predict the effect of sequence changes on RNA splicing suggest that this variant may create or strengthen a splice site. In summary, the available evidence is currently insufficient to determine the role of this variant in disease. Therefore, it has been classified as a Variant of Uncertain Significance. ClinVar contains an entry for this variant (Variation ID: 654448). This variant has not been reported in the literature in individuals affected with FRRS1L-related conditions. This variant is not present in population databases (gnomAD no frequency).

NM_014334.4(FRRS1L):c.708G>A (p.Gln236=)

Gene: FRRS1L (ferric chelate reductase 1 like; minus strand). Cytogenetic location: 9q31.3.
Variant type: single nucleotide variant.
Coding change: c.708G>A on transcript NM_014334.4 (MANE Select); coding-DNA position 708, G replaced by A.
Protein change: p.Gln236=; no amino-acid change (glutamine 236 retained).
Molecular consequence: synonymous variant.
Genome position (GRCh38, 1-based): chr9:109,141,344, C>T on the plus strand (G>A on the coding strand, the complement: FRRS1L is on the minus strand). VCF-style: chr9-109141344-C-T. GRCh37 (hg19) VCF-style: chr9-111903624-C-T.
Identifiers: ClinVar variation 654448 (VCV000654448.9), dbSNP rs1381027576, ClinGen allele CA466664368.